The following is an entry in ClinVar:

NM_001197104.2(KMT2A):c.4345C>T (p.Gln1449Ter)

Gene: KMT2A (lysine methyltransferase 2A; plus strand). Cytogenetic location: 11q23.3.
Variant type: single nucleotide variant.
Coding change: c.4345C>T on transcript NM_001197104.2 (MANE Select); coding-DNA position 4345, C replaced by T.
Protein change: p.Gln1449Ter; replaces glutamine 1449 with a stop codon.
Molecular consequence: nonsense.
Genome position (GRCh38, 1-based): chr11:118,488,626, C>T. VCF-style: chr11-118488626-C-T. GRCh37 (hg19) VCF-style: chr11-118359341-C-T.
Other names: c.4444C>T, p.Gln1482Ter (NM_001412597.1); c.4345C>T, p.Gln1449Ter (NM_005933.4); short protein forms Q1449*, Q1482*.
Identifiers: ClinVar variation 3685383 (VCV003685383.2).

ClinVar aggregate classification (germline): Pathogenic (1 of 4 stars; one submission).

Submission:

Labcorp Genetics (formerly Invitae), Labcorp
Classification: Pathogenic. Last evaluated: 2025-06-23. Review status: criteria provided, single submitter. Criteria: Invitae Variant Classification Sherloc (09022015). Collection method: clinical testing. Allele origin: germline.
Comment: This sequence change creates a premature translational stop signal (p.Gln1449*) in the KMT2A gene. It is expected to result in an absent or disrupted protein product. Loss-of-function variants in KMT2A are known to be pathogenic (PMID: 22795537, 25810209, 29574747). This variant is not present in population databases (gnomAD no frequency). This variant has not been reported in the literature in individuals affected with KMT2A-related conditions. ClinVar contains an entry for this variant (Variation ID: 3685383). Algorithms developed to predict the effect of sequence changes on RNA splicing suggest that this variant may disrupt the consensus splice site. For these reasons, this variant has been classified as Pathogenic.

Literature cited by the submitters: PubMed 22795537; PubMed 25810209; PubMed 29574747.